The following is an entry in ClinVar:

ClinVar aggregate classification (germline): Uncertain significance. Review status: criteria provided, multiple submitters, no conflicts (2 of 4 stars). 3 submissions from 3 submitters: Uncertain significance (2). 1 of the submissions does not count toward it. Last evaluated 2020-08-24.

Conditions:
MBD5-related disorder. Also called: MBD5-related condition.
Intellectual developmental disorder, autosomal dominant 1. Also called: Intellectual disability, autosomal dominant 1; MBD5 Haploinsufficiency. Identifiers: Orphanet 228402, MedGen C1969562, MONDO:0007974, OMIM 156200.

Allele frequency attached by ClinVar (database versions not stated): gnomAD exomes below 0.00001; ExAC 0.00001; gnomAD 0.00001.
gnomAD v4.1: 6 of 1,613,960 alleles (0.00037%); highest among the groups gnomAD compares: Non-Finnish European, 0.00051%; no homozygotes.

Submissions (3):

Labcorp Genetics (formerly Invitae), Labcorp
Classification: Uncertain significance for Intellectual developmental disorder, autosomal dominant 1. Last evaluated: 2020-08-24. Review status: criteria provided, single submitter. Criteria: Invitae Variant Classification Sherloc (09022015). Collection method: clinical testing. Allele origin: germline.
Comment: This sequence change replaces proline with glutamine at codon 1380 of the MBD5 protein (p.Pro1380Gln). The proline residue is highly conserved and there is a moderate physicochemical difference between proline and glutamine. This variant is present in population databases (rs763299719, ExAC 0.001%). This variant has not been reported in the literature in individuals with MBD5-related conditions. Algorithms developed to predict the effect of missense changes on protein structure and function are either unavailable or do not agree on the potential impact of this missense change (SIFT: "Deleterious"; PolyPhen-2: "Not Available"; Align-GVGD: "Class C65"). In summary, the available evidence is currently insufficient to determine the role of this variant in disease. Therefore, it has been classified as a Variant of Uncertain Significance.

GeneDx
Classification: Uncertain significance. Last evaluated: 2020-08-11. Review status: criteria provided, single submitter. Criteria: GeneDx Variant Classification Process June 2021. Collection method: clinical testing. Allele origin: germline. Affected: yes.
Comment: Not observed at significant frequency in large population cohorts (Lek et al., 2016); In silico analysis supports that this missense variant has a deleterious effect on protein structure/function; Has not been previously published as pathogenic or benign to our knowledge

PreventionGenetics, part of Exact Sciences
Classification: Uncertain significance for MBD5-related condition. Last evaluated: 2023-12-08. Review status: no assertion criteria provided. Collection method: clinical testing. Allele origin: germline. Not counted in ClinVar's aggregate classification.
Comment: The MBD5 c.4139C>A variant is predicted to result in the amino acid substitution p.Pro1380Gln. To our knowledge, this variant has not been reported in the literature. This variant is reported in 0.00088% of alleles in individuals of European (Non-Finnish) descent in gnomAD. At this time, the clinical significance of this variant is uncertain due to the absence of conclusive functional and genetic evidence.

NM_001378120.1(MBD5):c.4838C>A (p.Pro1613Gln)

Gene: MBD5 (methyl-CpG binding domain protein 5; plus strand). Cytogenetic location: 2q23.1.
Variant type: single nucleotide variant.
Coding change: c.4838C>A on transcript NM_001378120.1 (MANE Select); coding-DNA position 4838, C replaced by A.
Protein change: p.Pro1613Gln; replaces proline 1613 with glutamine.
Molecular consequence: missense variant.
Genome position (GRCh38, 1-based): chr2:148,490,470, C>A. VCF-style: chr2-148490470-C-A. GRCh37 (hg19) VCF-style: chr2-149248039-C-A.
Other names: c.4139C>A, p.Pro1380Gln (NM_018328.5); short protein forms P1380Q, P1613Q.
Identifiers: ClinVar variation 1023029 (VCV001023029.14), dbSNP rs763299719, ClinGen allele CA1900471.